The following is an entry in ClinVar:

NC_000022.11:g.40346357C>A

Gene: ADSL (adenylosuccinate lyase; plus strand). Cytogenetic location: 22q13.1.
Variant type: single nucleotide variant.
Genome position: GRCh38 VCF-style: chr22-40346357-C-A. GRCh37 (hg19) VCF-style: chr22-40742361-C-A.
Identifiers: ClinVar variation 1345200 (VCV001345200.8), dbSNP rs2146610771, ClinGen allele CA2573158351.

ClinVar aggregate classification (germline): Uncertain significance (1 of 4 stars; one submission).

Conditions:
Adenylosuccinate lyase deficiency (ADSLD). Also called: ADSL DEFICIENCY. Identifiers: Orphanet 46, MedGen C0268126, MONDO:0007068, OMIM 103050.

Submission:

Labcorp Genetics (formerly Invitae), Labcorp
Classification: Uncertain significance for Adenylosuccinate lyase deficiency. Last evaluated: 2022-02-24. Review status: criteria provided, single submitter. Criteria: Invitae Variant Classification Sherloc (09022015). Collection method: clinical testing. Allele origin: germline.
Comment: In summary, the available evidence is currently insufficient to determine the role of this variant in disease. Therefore, it has been classified as a Variant of Uncertain Significance. This variant occurs in a non-coding region of the ADSL gene. It does not change the encoded amino acid sequence of the ADSL protein. This variant is not present in population databases (gnomAD no frequency). This variant has not been reported in the literature in individuals affected with ADSL-related conditions. Experimental studies and prediction algorithms are not available or were not evaluated, and the functional significance of this variant is currently unknown.